The following is an entry in ClinVar:

NM_000215.4(JAK3):c.2422C>T (p.Leu808Phe)

Gene: JAK3 (Janus kinase 3; minus strand). Cytogenetic location: 19p13.11.
Variant type: single nucleotide variant.
Coding change: c.2422C>T on transcript NM_000215.4 (MANE Select); coding-DNA position 2422, C replaced by T.
Protein change: p.Leu808Phe; replaces leucine 808 with phenylalanine.
Molecular consequence: missense variant.
Genome position (GRCh38, 1-based): chr19:17,832,858, G>A on the plus strand (C>T on the coding strand, the complement: JAK3 is on the minus strand). VCF-style: chr19-17832858-G-A. GRCh37 (hg19) VCF-style: chr19-17943667-G-A.
Other names: short protein forms L808F.
Identifiers: ClinVar variation 3029100 (VCV003029100.3), dbSNP rs767782114, ClinGen allele CA9301602.

ClinVar aggregate classification (germline): Uncertain significance. Review status: criteria provided, single submitter (1 of 4 stars). 2 submissions from 2 submitters: Uncertain significance (1). 1 of the submissions does not count toward it. Last evaluated 2024-08-20.

Conditions:
Inborn genetic diseases. Identifiers: MedGen C0950123, MeSH D030342.
JAK3-related disorder. Also called: JAK3-related condition.

Allele frequency attached by ClinVar (database versions not stated): ExAC 0.00001; gnomAD 0.00001; TOPMed 0.00001.

Submissions (2):

Ambry Genetics
Classification: Uncertain significance for Inborn genetic diseases. Last evaluated: 2024-08-20. Review status: criteria provided, single submitter. Criteria: Ambry Variant Classification Scheme 2023. Collection method: clinical testing. Allele origin: germline.

PreventionGenetics, part of Exact Sciences
Classification: Likely benign for JAK3-related condition. Last evaluated: 2022-02-26. Review status: no assertion criteria provided. Collection method: clinical testing. Allele origin: germline. Not counted in ClinVar's aggregate classification.
Comment: This variant is classified as likely benign based on ACMG/AMP sequence variant interpretation guidelines (Richards et al. 2015 PMID: 25741868, with internal and published modifications).